The following is an entry in ClinVar:

ClinVar aggregate classification (germline): Uncertain significance (1 of 4 stars; one submission).

Submission:

Labcorp Genetics (formerly Invitae), Labcorp
Classification: Uncertain significance. Last evaluated: 2022-09-27. Review status: criteria provided, single submitter. Criteria: Invitae Variant Classification Sherloc (09022015). Collection method: clinical testing. Allele origin: germline.
Comment: This sequence change replaces valine, which is neutral and non-polar, with alanine, which is neutral and non-polar, at codon 369 of the ASAH1 protein (p.Val369Ala). This variant is not present in population databases (gnomAD no frequency). This variant has not been reported in the literature in individuals affected with ASAH1-related conditions. ClinVar contains an entry for this variant (Variation ID: 1405478). Advanced modeling of protein sequence and biophysical properties (such as structural, functional, and spatial information, amino acid conservation, physicochemical variation, residue mobility, and thermodynamic stability) performed at Invitae indicates that this missense variant is not expected to disrupt ASAH1 protein function. In summary, the available evidence is currently insufficient to determine the role of this variant in disease. Therefore, it has been classified as a Variant of Uncertain Significance.

NM_177924.5(ASAH1):c.1106T>C (p.Val369Ala)

Gene: ASAH1 (N-acylsphingosine amidohydrolase 1; minus strand). Cytogenetic location: 8p22.
Variant type: single nucleotide variant.
Coding change: c.1106T>C on transcript NM_177924.5 (MANE Select); coding-DNA position 1106, T replaced by C.
Protein change: p.Val369Ala; replaces valine 369 with alanine.
Molecular consequence: missense variant.
Genome position (GRCh38, 1-based): chr8:18,057,616, A>G on the plus strand (T>C on the coding strand, the complement: ASAH1 is on the minus strand). VCF-style: chr8-18057616-A-G. GRCh37 (hg19) VCF-style: chr8-17915125-A-G.
Other names: c.1088T>C, p.Val363Ala (NM_001127505.3); c.911T>C, p.Val304Ala (NM_001363743.2); c.1154T>C, p.Val385Ala (NM_004315.6); short protein forms V363A, V369A, V304A, V385A.
Identifiers: ClinVar variation 1405478 (VCV001405478.5), dbSNP rs1471414405, ClinGen allele CA370442730.
Genomic context (GRCh38, chr8:18,057,616, plus strand): 5'-GGGCAGTCCCGCAGGTAAGTTTCGAATTGACCTTTGGTAACATCTATCAAGGTTGTGTAT[A>G]CGGTCAGCTGAAAGAAAAGTTATTTTTACTTTAAGGACGTTTTCAATTCAGAGATGTTCT-3'
Protein context (NP_808592.2, residues 359-379): STKPVLNKLT[Val369Ala]YTTLIDVTKG